The following is an entry in ClinVar:

ClinVar aggregate classification (germline): Uncertain significance (1 of 4 stars; one submission).

Submission:

Labcorp Genetics (formerly Invitae), Labcorp
Classification: Uncertain significance. Last evaluated: 2025-08-19. Review status: criteria provided, single submitter. Criteria: Invitae Variant Classification Sherloc (09022015). Collection method: clinical testing. Allele origin: germline.
Comment: This sequence change replaces glutamine, which is neutral and polar, with leucine, which is neutral and non-polar, at codon 1803 of the MYH3 protein (p.Gln1803Leu). This variant is not present in population databases (gnomAD no frequency). This variant has not been reported in the literature in individuals affected with MYH3-related conditions. Invitae Evidence Modeling of protein sequence and biophysical properties (such as structural, functional, and spatial information, amino acid conservation, physicochemical variation, residue mobility, and thermodynamic stability) indicates that this missense variant is not expected to disrupt MYH3 protein function with a negative predictive value of 95%. In summary, the available evidence is currently insufficient to determine the role of this variant in disease. Therefore, it has been classified as a Variant of Uncertain Significance.

NM_002470.4(MYH3):c.5408A>T (p.Gln1803Leu)

Gene: MYH3 (myosin heavy chain 3; minus strand). Cytogenetic location: 17p13.1.
Variant type: single nucleotide variant.
Coding change: c.5408A>T on transcript NM_002470.4 (MANE Select); coding-DNA position 5408, A replaced by T.
Protein change: p.Gln1803Leu; replaces glutamine 1803 with leucine.
Molecular consequence: missense variant.
Genome position (GRCh38, 1-based): chr17:10,630,337, T>A on the plus strand (A>T on the coding strand, the complement: MYH3 is on the minus strand). VCF-style: chr17-10630337-T-A. GRCh37 (hg19) VCF-style: chr17-10533654-T-A.
Other names: short protein forms Q1803L.
Identifiers: ClinVar variation 4800663 (VCV004800663.1).
Genomic context (GRCh38, chr17:10,630,337, plus strand): 5'-CCTGCACACACCCTGGTCTCCAGTTTCTGGATCTGCTTCTTCCCGCCCTTCAGCGCCAGC[T>A]GCTCGGCCTCATCTAGACGATGCTGCAGGTCCTTCACCGTCTGTTCCAGGTTCTTCTTCA-3'
Protein context (NP_002461.2, residues 1793-1813): DLQHRLDEAE[Gln1803Leu]LALKGGKKQI